The following is an entry in ClinVar:

ClinVar aggregate classification (germline): Conflicting classifications of pathogenicity. Review status: criteria provided, conflicting classifications (1 of 4 stars). 4 submissions from 4 submitters: Likely pathogenic (2); Uncertain significance (2). Last evaluated 2026-05-29.

Conditions:
Nonsyndromic Deafness. Also called: Nonsyndromic hearing loss; Non-syndromic hearing loss. Identifiers: MedGen C3711374, MeSH C580334.
Nonsyndromic genetic hearing loss. Also called: Nonsyndromic genetic deafness; Nonsyndromic hearing loss and deafness; Non-syndromic genetic deafness. Identifiers: Orphanet 87884, MedGen C5680182, MONDO:0019497.

Allele frequency attached by ClinVar (database versions not stated): gnomAD exomes 0.00001 and 0.00002; ExAC 0.00004.

Submissions (4):

Myriad Genetics, Inc.
Classification: Uncertain significance for Nonsyndromic genetic hearing loss. Last evaluated: 2026-05-29. Review status: criteria provided, single submitter. Criteria: Myriad Autosomal Dominant, Autosomal Recessive and X-Linked Classification Criteria (2023). Collection method: clinical testing. Allele origin: unknown.
Comment: NM_004004.5(GJB2):c.265C>T(L89F) is a missense variant classified as a variant of uncertain significance in the context of nonsyndromic hearing loss, GJB2-related. L89F has been observed in a case with relevant disease (PMID: 38486023). Relevant functional assessments of this variant are not available in the literature. L89F has been observed in referenced population frequency databases. In summary, there is insufficient evidence to classify NM_004004.5(GJB2):c.265C>T(L89F) as pathogenic or benign. Please note: this variant was assessed in the context of healthy population screening.

Labcorp Genetics (formerly Invitae), Labcorp
Classification: Likely pathogenic. Last evaluated: 2026-01-20. Review status: criteria provided, single submitter. Criteria: Invitae Variant Classification Sherloc (09022015). Collection method: clinical testing. Allele origin: germline.
Comment: This sequence change replaces leucine, which is neutral and non-polar, with phenylalanine, which is neutral and non-polar, at codon 89 of the GJB2 protein (p.Leu89Phe). This variant is present in population databases (rs765921870, gnomAD 0.01%). This variant has not been reported in the literature in individuals affected with GJB2-related conditions. ClinVar contains an entry for this variant (Variation ID: 437829). Invitae Evidence Modeling of protein sequence and biophysical properties (such as structural, functional, and spatial information, amino acid conservation, physicochemical variation, residue mobility, and thermodynamic stability) indicates that this missense variant is expected to disrupt GJB2 protein function with a positive predictive value of 95%. This variant disrupts the p.Leu89 amino acid residue in GJB2. Other variant(s) that disrupt this residue have been determined to be pathogenic (PMID: 28405014). This suggests that this residue is clinically significant, and that variants that disrupt this residue are likely to be disease-causing. In summary, the currently available evidence indicates that the variant is pathogenic, but additional data are needed to prove that conclusively. Therefore, this variant has been classified as Likely Pathogenic.

CeGaT Center for Human Genetics Tuebingen
Classification: Likely pathogenic. Last evaluated: 2024-08-01. Review status: criteria provided, single submitter. Criteria: CeGaT Center For Human Genetics Tuebingen Variant Classification Criteria Version 2. Collection method: clinical testing. Allele origin: germline. Affected: yes. Observed: 1 variant allele.
Comment: GJB2: PM2, PM3, PM5, PP3

Molecular Genetics Laboratory, BC Children's and BC Women's Hospitals
Classification: Uncertain significance for Non-syndromic hearing loss. Last evaluated: 2017-04-28. Review status: criteria provided, single submitter. Criteria: ACMG Guidelines, 2015. Collection method: clinical testing. Allele origin: germline. Affected: yes.
Comment: To the best of our knowledge, this variant has not previously been reported in gene-specific databases or the literature; but has been seen at low frequency in individuals of South Asian ancestry reported in population databases (gnomAD, ExAC). In silico analyses all predict an impact on the protein. The amino acid immediately adjacent to this variant is also a leucine; as reported extensively in the literature, mutation of this amnio acid to proline (p.Leu90Pro) is pathogenic.

Literature cited by the submitters: PubMed 38486023 (cited by Myriad Genetics, Inc.); PubMed 28405014 (cited by Labcorp Genetics (formerly Invitae), Labcorp).

NM_004004.6(GJB2):c.265C>T (p.Leu89Phe)

Gene: GJB2 (gap junction protein beta 2; minus strand). Cytogenetic location: 13q12.11.
Variant type: single nucleotide variant.
Coding change: c.265C>T on transcript NM_004004.6 (MANE Select); coding-DNA position 265, C replaced by T.
Protein change: p.Leu89Phe; replaces leucine 89 with phenylalanine.
Molecular consequence: missense variant.
Genome position (GRCh38, 1-based): chr13:20,189,317, G>A on the plus strand (C>T on the coding strand, the complement: GJB2 is on the minus strand). VCF-style: chr13-20189317-G-A. GRCh37 (hg19) VCF-style: chr13-20763456-G-A.
Other names: short protein forms L89F.
Identifiers: ClinVar variation 437829 (VCV000437829.19), dbSNP rs765921870, ClinGen allele CA6904293.